The following is an entry in ClinVar:

NM_001081.4(CUBN):c.5196C>T (p.Thr1732=)

Gene: CUBN (cubilin; minus strand). Cytogenetic location: 10p13.
Variant type: single nucleotide variant.
Coding change: c.5196C>T on transcript NM_001081.4 (MANE Select); coding-DNA position 5196, C replaced by T.
Protein change: p.Thr1732=; no amino-acid change (threonine 1732 retained).
Molecular consequence: synonymous variant.
Genome position (GRCh38, 1-based): chr10:16,948,491, G>A on the plus strand (C>T on the coding strand, the complement: CUBN is on the minus strand). VCF-style: chr10-16948491-G-A. GRCh37 (hg19) VCF-style: chr10-16990490-G-A.
Identifiers: ClinVar variation 695883 (VCV000695883.37), dbSNP rs182162293, ClinGen allele CA5424107.

ClinVar aggregate classification (germline): Likely benign. Review status: criteria provided, multiple submitters, no conflicts (2 of 4 stars). 6 submissions from 6 submitters: Likely benign (3). 3 of the submissions do not count toward it. Last evaluated 2026-02-01.

Conditions:
CUBN-related disorder. Also called: CUBN-related condition.
Imerslund-Grasbeck syndrome. Also called: Megaloblastic anemia due to inborn errors of metabolism; PERNICIOUS ANEMIA, JUVENILE, DUE TO SELECTIVE INTESTINAL MALABSORPTION OF VITAMIN B12, WITH PROTEINURIA; Imerslund-Gräsbeck syndrome; ENTEROCYTE COBALAMIN MALABSORPTION; ENTEROCYTE INTRINSIC FACTOR RECEPTOR, DEFECT OF. Identifiers: Orphanet 35858, MedGen C4551825, MONDO:0009853.

Allele frequency attached by ClinVar (database versions not stated): gnomAD exomes 0.00015; ExAC 0.00021; gnomAD 0.00035; ESP Exome Variant Server 0.00054; TOPMed 0.00057; 1000 Genomes Project 30x 0.00078; 1000 Genomes Project 0.00100.
gnomAD v4.1: 191 of 1,613,920 alleles (0.012%); highest among the groups gnomAD compares: African/African-American, 0.19%; 2 homozygotes.

Submissions (6):

Labcorp Genetics (formerly Invitae), Labcorp
Classification: Likely benign for Imerslund-Grasbeck syndrome. Last evaluated: 2026-02-01. Review status: criteria provided, single submitter. Criteria: Invitae Variant Classification Sherloc (09022015). Collection method: clinical testing. Allele origin: germline.

Blueprint Genetics
Classification: Likely benign. Last evaluated: 2023-08-22. Review status: criteria provided, single submitter. Criteria: ACMG Guidelines, 2015. Collection method: clinical testing. Allele origin: germline.

CeGaT Center for Human Genetics Tuebingen
Classification: Likely benign. Last evaluated: 2022-10-01. Review status: criteria provided, single submitter. Criteria: CeGaT Center For Human Genetics Tuebingen Variant Classification Criteria Version 2. Collection method: clinical testing. Allele origin: germline. Affected: yes. Observed: 1 variant allele.
Comment: CUBN: BP4, BP7

PreventionGenetics, part of Exact Sciences
Classification: Likely benign for CUBN-related condition. Last evaluated: 2020-11-30. Review status: no assertion criteria provided. Collection method: clinical testing. Allele origin: germline. Not counted in ClinVar's aggregate classification.
Comment: This variant is classified as likely benign based on ACMG/AMP sequence variant interpretation guidelines (Richards et al. 2015 PMID: 25741868, with internal and published modifications).

Clinical Genetics DNA and cytogenetics Diagnostics Lab, Erasmus MC, Erasmus Medical Center
Classification: Likely benign. Review status: no assertion criteria provided. Collection method: clinical testing. Allele origin: germline. Affected: yes. Study: VKGL Data-share Consensus. Not counted in ClinVar's aggregate classification.

Genome Diagnostics Laboratory, University Medical Center Utrecht
Classification: Likely benign. Review status: no assertion criteria provided. Collection method: clinical testing. Allele origin: germline. Affected: yes. Study: VKGL Data-share Consensus. Not counted in ClinVar's aggregate classification.